The following is an entry in ClinVar:

ClinVar aggregate classification (germline): Benign. Review status: criteria provided, multiple submitters, no conflicts (2 of 4 stars). 7 submissions from 7 submitters: Benign (5). 2 of the submissions do not count toward it. Last evaluated 2026-02-02.

Conditions:
Glutaric aciduria, type 1. Also called: Glutaricaciduria, type I; GA I; Glutaric acidemia type I; Glutaryl-CoA dehydrogenase deficiency; Glutaricacidemia Type 1; Glutaric Acidemia Type 1. Identifiers: Orphanet 25, MedGen C0268595, MONDO:0009281, OMIM 231670.

Allele frequency attached by ClinVar (database versions not stated): gnomAD 0.33464 and 0.33119; 1000 Genomes Project 30x 0.28217; gnomAD exomes 0.36064; TOPMed 0.34107; 1000 Genomes Project 0.27796.
gnomAD v4.1: 561,998 of 1,572,914 alleles (36%); highest among the groups gnomAD compares: Admixed American, 43%; 103,708 homozygotes.

Submissions (7):

Dasa
Classification: Benign. Last evaluated: 2026-02-02. Review status: criteria provided, single submitter. Criteria: DASA Assertion Criteria. Collection method: clinical testing. Allele origin: germline.
Comment: NM_000159.4(GCDH):c.*288G>T is a sequence variant. Population frequency is inconsistent with a disease-causing role for this variant, observations in unaffected individuals support a benign interpretation, and the variant context is inconsistent with a known disease-causing mechanism. Therefore, based on the currently available evidence, this variant is classified as benign.

Genome-Nilou Lab
Classification: Benign for Glutaric aciduria, type 1. Last evaluated: 2021-06-10. Review status: criteria provided, single submitter. Criteria: ACMG Guidelines, 2015. Collection method: clinical testing. Allele origin: germline. Affected: no.

Mendelics
Classification: Benign for Glutaric aciduria, type 1. Last evaluated: 2019-05-28. Review status: criteria provided, single submitter. Criteria: Mendelics Assertion Criteria 2017. Collection method: clinical testing. Allele origin: unknown.

GeneDx
Classification: Benign. Last evaluated: 2018-06-23. Review status: criteria provided, single submitter. Criteria: GeneDx Variant Classification Process June 2021. Collection method: clinical testing. Allele origin: germline. Affected: yes.

Breakthrough Genomics
Classification: Benign. Review status: criteria provided, single submitter. Criteria: ACMG Guidelines, 2015. Collection method: not provided. Allele origin: germline. Inheritance: Autosomal recessive inheritance. Affected: yes.

National Institute of Mental Health and Neurosciences
Classification: Likely pathogenic for GLUTARIC ACIDEMIA I. Last evaluated: 2015-02-28. Review status: no assertion criteria provided. Collection method: research. Allele origin: germline. Affected: yes. Observed: 1 variant allele, 1 homozygote. Not counted in ClinVar's aggregate classification.

Department of Pathology and Laboratory Medicine, Sinai Health System
Classification: Benign. Review status: no assertion criteria provided. Collection method: clinical testing. Allele origin: unknown. Affected: yes. Study: The Canadian Open Genetics Repository (COGR). Not counted in ClinVar's aggregate classification.

NM_000159.4(GCDH):c.*288G>T

Genes: GCDH (glutaryl-CoA dehydrogenase; plus strand), SYCE2 (synaptonemal complex central element protein 2; minus strand), LOC126862860 (BRD4-independent group 4 enhancer GRCh37_chr19:13010146-13011345; plus strand). Cytogenetic location: 19p13.13.
Variant type: single nucleotide variant.
Coding change: c.*288G>T on transcript NM_000159.4 (MANE Select); 288 bases downstream of the stop codon, G replaced by T.
Molecular consequence: 3 prime UTR variant. On other transcripts: non-coding transcript variant (2), intron variant (1).
Genome position (GRCh38, 1-based): chr19:12,899,829, G>T. VCF-style: chr19-12899829-G-T. GRCh37 (hg19) VCF-style: chr19-13010643-G-T.
Other names: c.*86G>T (NM_013976.5); c.612+175C>A (NM_001105578.2).
Identifiers: ClinVar variation 208505 (VCV000208505.15), dbSNP rs9384, ClinGen allele CA275979.